The following is an entry in ClinVar:

NM_005732.4(RAD50):c.2330C>T (p.Thr777Ile)

Gene: RAD50 (RAD50 double strand break repair protein; plus strand). Cytogenetic location: 5q31.1.
Variant type: single nucleotide variant.
Coding change: c.2330C>T on transcript NM_005732.4 (MANE Select); coding-DNA position 2330, C replaced by T.
Protein change: p.Thr777Ile; replaces threonine 777 with isoleucine.
Molecular consequence: missense variant.
Genome position (GRCh38, 1-based): chr5:132,603,422, C>T. VCF-style: chr5-132603422-C-T. GRCh37 (hg19) VCF-style: chr5-131939114-C-T.
Other names: short protein forms T777I.
Identifiers: ClinVar variation 229954 (VCV000229954.15), dbSNP rs876658298, ClinGen allele CA10578560.
Genomic context (GRCh38, chr5:132,603,422, plus strand): 5'-TCAATAGAGACATACAGCGCCTAAAGAACGACATAGAAGAACAAGAAACACTCTTGGGTA[C>T]AATAATGCCTGAAGAAGAAAGTGCCAAAGTATGCCTGACAGATGTTACAATTATGGAGAG-3'
Protein context (NP_005723.2, residues 767-787): DIEEQETLLG[Thr777Ile]IMPEEESAKV

ClinVar aggregate classification (germline): Uncertain significance. Review status: criteria provided, multiple submitters, no conflicts (2 of 4 stars). 2 submissions from 2 submitters: Uncertain significance (2). Last evaluated 2019-09-21.

Conditions:
Hereditary cancer-predisposing syndrome. Also called: Hereditary neoplastic syndrome; Hereditary Cancer Syndrome; Neoplastic Syndromes, Hereditary; Tumor predisposition. Identifiers: Orphanet 140162, MedGen C0027672, MeSH D009386, MONDO:0015356.

gnomAD v4.1: 1 of 1,613,872 alleles (0.000062%); no homozygotes.

Submissions (2):

Labcorp Genetics (formerly Invitae), Labcorp
Classification: Uncertain significance for Hereditary cancer-predisposing syndrome. Last evaluated: 2019-09-21. Review status: criteria provided, single submitter. Criteria: Invitae Variant Classification Sherloc (09022015). Collection method: clinical testing. Allele origin: germline.
Comment: This variant has not been reported in the literature in individuals with RAD50-related conditions. ClinVar contains an entry for this variant (Variation ID: 229954). This variant is not present in population databases (ExAC no frequency). This sequence change replaces threonine with isoleucine at codon 777 of the RAD50 protein (p.Thr777Ile). The threonine residue is moderately conserved and there is a moderate physicochemical difference between threonine and isoleucine. In summary, the available evidence is currently insufficient to determine the role of this variant in disease. Therefore, it has been classified as a Variant of Uncertain Significance. Algorithms developed to predict the effect of missense changes on protein structure and function (SIFT, PolyPhen-2, Align-GVGD) all suggest that this variant is likely to be tolerated, but these predictions have not been confirmed by published functional studies and their clinical significance is uncertain.

Ambry Genetics
Classification: Uncertain significance for Hereditary cancer-predisposing syndrome. Last evaluated: 2017-02-23. Review status: criteria provided, single submitter. Criteria: Ambry Variant Classification Scheme 2023. Collection method: clinical testing. Allele origin: germline.
Comment: The p.T777I variant (also known as c.2330C>T), located in coding exon 14 of the RAD50 gene, results from a C to T substitution at nucleotide position 2330. The threonine at codon 777 is replaced by isoleucine, an amino acid with similar properties. This amino acid position is well conserved in available vertebrate species. In addition, this alteration is predicted to be tolerated by in silico analysis. Since supporting evidence is limited at this time, the clinical significance of this alteration remains unclear.